The following is an entry in ClinVar:

ClinVar aggregate classification (germline): Likely benign. Review status: criteria provided, multiple submitters, no conflicts (2 of 4 stars). 4 submissions from 4 submitters: Likely benign (4). Last evaluated 2026-01-17.

Conditions:
Nephronophthisis. Also called: Juvenile Nephronophthisis. Identifiers: Orphanet 655, MedGen C0687120, MONDO:0019005, HP:0000090.
NPHP3-related Meckel-like syndrome. Also called: GOLDSTON SYNDROME; Meckel syndrome type 7. Identifiers: Orphanet 3032, MedGen C2673885, MONDO:0009966, OMIM 267010.
Renal-hepatic-pancreatic dysplasia 1 (RHPD1). Identifiers: MedGen C3715199, MONDO:0008833, OMIM 208540.
Nephronophthisis 3 (NPHP3). Also called: Adolescent nephronophthisis. Identifiers: Orphanet 655, MedGen C1858392, MONDO:0011456, OMIM 604387.

Allele frequency attached by ClinVar (database versions not stated): gnomAD exomes 0.00003 and 0.00004; ExAC 0.00005; TOPMed 0.00006; gnomAD 0.00008 and 0.00009; ESP Exome Variant Server 0.00015.
gnomAD v4.1: 59 of 1,614,118 alleles (0.0037%); highest among the groups gnomAD compares: African/African-American, 0.052%; no homozygotes.

Submissions (4):

Labcorp Genetics (formerly Invitae), Labcorp
Classification: Likely benign for Nephronophthisis. Last evaluated: 2026-01-17. Review status: criteria provided, single submitter. Criteria: Invitae Variant Classification Sherloc (09022015). Collection method: clinical testing. Allele origin: germline.

Blueprint Genetics
Classification: Likely benign. Last evaluated: 2024-09-07. Review status: criteria provided, single submitter. Criteria: ACMG Guidelines, 2015. Collection method: clinical testing. Allele origin: germline.

Fulgent Genetics
Classification: Likely benign for Renal-hepatic-pancreatic dysplasia 1; NPHP3-related Meckel-like syndrome; Nephronophthisis 3. Last evaluated: 2021-09-13. Review status: criteria provided, single submitter. Criteria: ACMG Guidelines, 2015. Collection method: clinical testing. Allele origin: unknown.

GeneDx
Classification: Likely benign. Last evaluated: 2016-04-20. Review status: criteria provided, single submitter. Criteria: GeneDx Variant Classification (06012015). Collection method: clinical testing. Allele origin: germline. Affected: yes.
Comment: This variant is considered likely benign or benign based on one or more of the following criteria: it is a conservative change, it occurs at a poorly conserved position in the protein, it is predicted to be benign by multiple in silico algorithms, and/or has population frequency not consistent with disease.

NM_153240.5(NPHP3):c.2931A>G (p.Leu977=)

Genes: NPHP3 (nephrocystin 3; minus strand), NPHP3-ACAD11 (NPHP3-ACAD11 readthrough (NMD candidate); minus strand). Cytogenetic location: 3q22.1.
Variant type: single nucleotide variant.
Coding change: c.2931A>G on transcript NM_153240.5 (MANE Select); coding-DNA position 2931, A replaced by G.
Protein change: p.Leu977=; no amino-acid change (leucine 977 retained).
Molecular consequence: synonymous variant. On other transcripts: non-coding transcript variant (1).
Genome position (GRCh38, 1-based): chr3:132,688,844, T>C on the plus strand (A>G on the coding strand, the complement: NPHP3 is on the minus strand). VCF-style: chr3-132688844-T-C. GRCh37 (hg19) VCF-style: chr3-132407688-T-C.
Identifiers: ClinVar variation 385384 (VCV000385384.13), dbSNP rs146316936, ClinGen allele CA2621876.
Genomic context (GRCh38, chr3:132,688,844, plus strand): 5'-CTGCACGTATACACTTGCTAGTTGGTGGAGGGACTGGGCTACTCTTGGGTGATCGGGATC[T>C]AAAGCTGTTTCTCGAATCTCTAAAGACCTCTGCAAAGGTACTATGGCCTGGGGGGAAAAG-3'
Protein context (NP_694972.3, residues 967-987): QRSLEIRETA[Leu977=]DPDHPRVAQS